The following is an entry in ClinVar:

NM_004064.5(CDKN1B):c.205C>G (p.Pro69Ala)

Gene: CDKN1B (cyclin dependent kinase inhibitor 1B; plus strand). Cytogenetic location: 12p13.1.
Variant type: single nucleotide variant.
Coding change: c.205C>G on transcript NM_004064.5 (MANE Select); coding-DNA position 205, C replaced by G.
Protein change: p.Pro69Ala; replaces proline 69 with alanine.
Molecular consequence: missense variant.
Genome position (GRCh38, 1-based): chr12:12,718,044, C>G. VCF-style: chr12-12718044-C-G. GRCh37 (hg19) VCF-style: chr12-12870978-C-G.
Other names: short protein forms P69A.
Identifiers: ClinVar variation 858127 (VCV000858127.8), dbSNP rs1388968180, ClinGen allele CA383969507.

ClinVar aggregate classification (germline): Uncertain significance. Review status: criteria provided, multiple submitters, no conflicts (2 of 4 stars). 2 submissions from 2 submitters: Uncertain significance (2). Last evaluated 2023-02-13.

Conditions:
Multiple endocrine neoplasia type 4. Also called: MULTIPLE ENDOCRINE NEOPLASIA, TYPE IV. Identifiers: Orphanet 276152, MedGen C1970712, MONDO:0012552, OMIM 610755.

Submissions (2):

GeneDx
Classification: Uncertain significance. Last evaluated: 2023-02-13. Review status: criteria provided, single submitter. Criteria: GeneDx Variant Classification Process June 2021. Collection method: clinical testing. Allele origin: germline. Affected: yes.
Comment: Not observed at significant frequency in large population cohorts (gnomAD); In silico analysis supports that this missense variant has a deleterious effect on protein structure/function; Has not been previously published as pathogenic or benign to our knowledge; This variant is associated with the following publications: (PMID: 31768066)

Labcorp Genetics (formerly Invitae), Labcorp
Classification: Uncertain significance for Multiple endocrine neoplasia type 4. Last evaluated: 2021-08-24. Review status: criteria provided, single submitter. Criteria: Invitae Variant Classification Sherloc (09022015). Collection method: clinical testing. Allele origin: germline.
Comment: This sequence change replaces proline with alanine at codon 69 of the CDKN1B protein (p.Pro69Ala). The proline residue is highly conserved and there is a small physicochemical difference between proline and alanine. This variant is not present in population databases (ExAC no frequency). This variant has not been reported in the literature in individuals affected with CDKN1B-related conditions. Algorithms developed to predict the effect of missense changes on protein structure and function (SIFT, PolyPhen-2, Align-GVGD) all suggest that this variant is likely to be disruptive. In summary, the available evidence is currently insufficient to determine the role of this variant in disease. Therefore, it has been classified as a Variant of Uncertain Significance.